The following is an entry in ClinVar:

NM_006231.4(POLE):c.303del (p.Lys101fs)

Gene: POLE (DNA polymerase epsilon, catalytic subunit; minus strand). Cytogenetic location: 12q24.33.
Variant type: Deletion.
Coding change: c.303del on transcript NM_006231.4 (MANE Select); coding-DNA position 303, one base deleted (A; older notation c.303delA).
Protein change: p.Lys101fs; shifts the reading frame from lysine 101.
Molecular consequence: frameshift variant.
Genome position (GRCh38, 1-based): chr12:132,680,205, T deleted on the plus strand (A on the coding strand, the reverse complement: POLE is on the minus strand); the first of 3 consecutive T bases (chr12:132,680,205-132,680,207); deleting any one gives the same sequence. VCF-style (leftmost placement, unchanged base first): chr12-132680204-GT-G. GRCh37 (hg19) VCF-style: chr12-133256790-GT-G.
Other names: short protein forms K101fs.
Identifiers: ClinVar variation 1504835 (VCV001504835.8), dbSNP rs2136029710, ClinGen allele CA2573148277.

ClinVar aggregate classification (germline): Pathogenic (1 of 4 stars; one submission).

Submission:

Labcorp Genetics (formerly Invitae), Labcorp
Classification: Pathogenic. Last evaluated: 2023-09-19. Review status: criteria provided, single submitter. Criteria: Invitae Variant Classification Sherloc (09022015). Collection method: clinical testing. Allele origin: germline.
Comment: For these reasons, this variant has been classified as Pathogenic. ClinVar contains an entry for this variant (Variation ID: 1504835). This variant has not been reported in the literature in individuals affected with POLE-related conditions. This variant is not present in population databases (gnomAD no frequency). This sequence change creates a premature translational stop signal (p.Lys101Asnfs*48) in the POLE gene. It is expected to result in an absent or disrupted protein product. Loss-of-function variants in POLE are known to be pathogenic (PMID: 23230001, 25948378, 30503519).

Literature cited by the submitters: PubMed 23230001; PubMed 25948378; PubMed 30503519.